The following is an entry in ClinVar:

ClinVar aggregate classification (germline): Likely benign. Review status: reviewed by expert panel (3 of 4 stars). 6 submissions from 6 submitters: Likely benign (1). 5 of the submissions do not count toward it. Last evaluated 2017-04-18.

Conditions:
Cardiovascular phenotype. Identifiers: MedGen CN230736.
Dilated cardiomyopathy 1NN. Identifiers: Orphanet 154, MedGen C4014656, MONDO:0014396, OMIM 615916.
LEOPARD syndrome 2 (LPRD2). Also called: RAF1-Related LEOPARD Syndrome. Identifiers: Orphanet 500, MedGen C1969056, MONDO:0012691, OMIM 611554.
Noonan syndrome 5 (NS5). Also called: RAF1-Related Noonan Syndrome. Identifiers: Orphanet 648, MedGen C1969057, MONDO:0012690, OMIM 611553. Disease mechanism: gain of function.
RASopathy. Also called: Noonan spectrum disorder; rasopathies. Identifiers: Orphanet 536391, MedGen C5555857, MONDO:0021060.

Allele frequency attached by ClinVar (database versions not stated): TOPMed 0.00003; gnomAD exomes 0.00034 and 0.00082; 1000 Genomes Project 30x 0.00047; 1000 Genomes Project 0.00060; ExAC 0.00068; gnomAD 0.00082 and 0.00087.
gnomAD v4.1: 640 of 1,613,864 alleles (0.04%); highest among the groups gnomAD compares: Non-Finnish European, 0.0057%; 8 homozygotes.

Submissions (6):

ClinGen RASopathy Variant Curation Expert Panel
Classification: Likely benign for Noonan syndrome and Noonan-related syndrome. Last evaluated: 2017-04-18. Review status: reviewed by expert panel. Criteria: ClinGen RASopathy ACMG Specifications v1. Collection method: curation. Allele origin: germline. Inheritance: Autosomal dominant inheritance.
Comment: The filtering allele frequency of the c.581+4A>G variant in the RAF1 gene is 0.0375% (34/66642) of European chromosomes by the Exome Aggregation Consortium, which is a high enough frequency to be classified as likely benign based on thresholds defined by the ClinGen RASopathy Expert Panel (BS1; PMID:29493581)

Labcorp Genetics (formerly Invitae), Labcorp
Classification: Benign for RASopathy. Last evaluated: 2025-04-13. Review status: criteria provided, single submitter. Criteria: Invitae Variant Classification Sherloc (09022015). Collection method: clinical testing. Allele origin: germline. Not counted in ClinVar's aggregate classification.

Blueprint Genetics
Classification: Likely benign. Last evaluated: 2024-11-08. Review status: criteria provided, single submitter. Criteria: ACMG Guidelines, 2015. Collection method: clinical testing. Allele origin: germline. Not counted in ClinVar's aggregate classification.

Ambry Genetics
Classification: Likely benign for Cardiovascular phenotype. Last evaluated: 2021-10-28. Review status: criteria provided, single submitter. Criteria: Ambry Variant Classification Scheme 2023. Collection method: clinical testing. Allele origin: germline. Not counted in ClinVar's aggregate classification.

Fulgent Genetics
Classification: Benign for Noonan syndrome 5; LEOPARD syndrome 2; Dilated cardiomyopathy 1NN. Last evaluated: 2021-07-05. Review status: criteria provided, single submitter. Criteria: ACMG Guidelines, 2015. Collection method: clinical testing. Allele origin: unknown. Not counted in ClinVar's aggregate classification.

Eurofins Ntd Llc (ga)
Classification: Likely benign. Last evaluated: 2017-03-23. Review status: criteria provided, single submitter. Criteria: EGL Classification Definitions 2015. Collection method: clinical testing. Allele origin: germline. Observed: 1 variant allele, 1 heterozygote. Not counted in ClinVar's aggregate classification.

NM_002880.4(RAF1):c.581+4A>G

Gene: RAF1 (Raf-1 proto-oncogene, serine/threonine kinase; minus strand). Cytogenetic location: 3p25.2.
Variant type: single nucleotide variant.
Coding change: c.581+4A>G on transcript NM_002880.4 (MANE Select); 4 bases into the intron after coding-DNA position 581, A replaced by G.
Molecular consequence: intron variant.
Genome position (GRCh38, 1-based): chr3:12,608,762, T>C on the plus strand (A>G on the coding strand, the complement: RAF1 is on the minus strand). VCF-style: chr3-12608762-T-C. GRCh37 (hg19) VCF-style: chr3-12650261-T-C.
Other names: c.338+4A>G (NM_001354695.3, NM_001354692.3, NM_001354694.3 and 1 more transcripts); c.581+4A>G (NM_001354693.3, NM_001354689.3, NM_001354690.3).
Identifiers: ClinVar variation 448929 (VCV000448929.20), dbSNP rs201776526, ClinGen allele CA2259744.